The following is an entry in ClinVar:

NM_198578.4(LRRK2):c.6731C>A (p.Ser2244Tyr)

Gene: LRRK2 (leucine rich repeat kinase 2; plus strand). Cytogenetic location: 12q12.
Variant type: single nucleotide variant.
Coding change: c.6731C>A on transcript NM_198578.4 (MANE Select); coding-DNA position 6731, C replaced by A.
Protein change: p.Ser2244Tyr; replaces serine 2244 with tyrosine.
Molecular consequence: missense variant.
Genome position (GRCh38, 1-based): chr12:40,354,453, C>A. VCF-style: chr12-40354453-C-A. GRCh37 (hg19) VCF-style: chr12-40748255-C-A.
Other names: short protein forms S2244Y.
Identifiers: ClinVar variation 1755141 (VCV001755141.2), dbSNP rs2499993891, ClinGen allele CA384409513.

ClinVar aggregate classification (germline): Uncertain significance (1 of 4 stars; one submission).

Conditions:
Inborn genetic diseases. Identifiers: MedGen C0950123, MeSH D030342.

Submission:

Ambry Genetics
Classification: Uncertain significance for Inborn genetic diseases. Last evaluated: 2022-06-23. Review status: criteria provided, single submitter. Criteria: Ambry Variant Classification Scheme 2023. Collection method: clinical testing. Allele origin: germline.
Comment: The p.S2244Y variant (also known as c.6731C>A), located in coding exon 45 of the LRRK2 gene, results from a C to A substitution at nucleotide position 6731. The serine at codon 2244 is replaced by tyrosine, an amino acid with dissimilar properties. This amino acid position is conserved. In addition, this alteration is predicted to be tolerated by in silico analysis. Since supporting evidence is limited at this time, the clinical significance of this alteration remains unclear.